The following is an entry in ClinVar:

ClinVar aggregate classification (germline): Uncertain significance. Review status: criteria provided, multiple submitters, no conflicts (2 of 4 stars). 4 submissions from 4 submitters: Uncertain significance (2). 2 of the submissions do not count toward it. Last evaluated 2023-06-08.

Conditions:
Retinal dystrophy. Also called: Inherited retinal dystrophy. Identifiers: Orphanet 71862, MedGen C0854723, MeSH D058499, MONDO:0019118, HP:0000556.
Autosomal recessive retinitis pigmentosa. Identifiers: MedGen C0339526.

Allele frequency attached by ClinVar (database versions not stated): TOPMed below 0.00001; gnomAD 0.00001; gnomAD exomes 0.00005.
gnomAD v4.1: 75 of 1,551,146 alleles (0.0048%); highest among the groups gnomAD compares: Non-Finnish European, 0.0059%; no homozygotes.

Submissions (4):

Blueprint Genetics
Classification: Uncertain significance. Last evaluated: 2023-06-08. Review status: criteria provided, single submitter. Criteria: ACMG Guidelines, 2015. Collection method: clinical testing. Allele origin: germline.

Labcorp Genetics (formerly Invitae), Labcorp
Classification: Uncertain significance. Last evaluated: 2022-08-10. Review status: criteria provided, single submitter. Criteria: Invitae Variant Classification Sherloc (09022015). Collection method: clinical testing. Allele origin: germline.
Comment: This sequence change replaces lysine, which is basic and polar, with threonine, which is neutral and polar, at codon 1729 of the EYS protein (p.Lys1729Thr). This variant is present in population databases (no rsID available, gnomAD 0.01%). This variant has not been reported in the literature in individuals affected with EYS-related conditions. ClinVar contains an entry for this variant (Variation ID: 992123). Algorithms developed to predict the effect of missense changes on protein structure and function (SIFT, PolyPhen-2, Align-GVGD) all suggest that this variant is likely to be tolerated. In summary, the available evidence is currently insufficient to determine the role of this variant in disease. Therefore, it has been classified as a Variant of Uncertain Significance.

Institute of Human Genetics, Univ. Regensburg, Univ. Regensburg
Classification: Uncertain significance for Retinal dystrophy. Last evaluated: 2022-01-01. Review status: no assertion criteria provided. Criteria: ACMG Guidelines, 2015. Collection method: clinical testing. Allele origin: germline. Affected: yes. Not counted in ClinVar's aggregate classification.

Natera, Inc.
Classification: Uncertain significance for Autosomal recessive retinitis pigmentosa. Last evaluated: 2020-10-17. Review status: no assertion criteria provided. Collection method: clinical testing. Allele origin: germline. Not counted in ClinVar's aggregate classification.

NM_001142800.2(EYS):c.5186A>C (p.Lys1729Thr)

Gene: EYS (EGF-like photoreceptor maintenance factor; minus strand). Cytogenetic location: 6q12.
Variant type: single nucleotide variant.
Coding change: c.5186A>C on transcript NM_001142800.2 (MANE Select); coding-DNA position 5186, A replaced by C.
Protein change: p.Lys1729Thr; replaces lysine 1729 with threonine.
Molecular consequence: missense variant.
Genome position (GRCh38, 1-based): chr6:64,590,681, T>G on the plus strand (A>C on the coding strand, the complement: EYS is on the minus strand). VCF-style: chr6-64590681-T-G. GRCh37 (hg19) VCF-style: chr6-65300574-T-G.
Other names: c.5186A>C, p.Lys1729Thr (NM_001292009.2); short protein forms K1729T.
Identifiers: ClinVar variation 992123 (VCV000992123.6), dbSNP rs1378944082, ClinGen allele CA364781652.